The following is an entry in ClinVar:

ClinVar aggregate classification (germline): Conflicting classifications of pathogenicity. Review status: criteria provided, conflicting classifications (1 of 4 stars). 5 submissions from 5 submitters: Likely pathogenic (1); Uncertain significance (4). Last evaluated 2024-09-16.

Conditions:
Neurofibromatosis, type 1 (NF1). Also called: Peripheral type neurofibromatosis; VON RECKLINGHAUSEN DISEASE; Neurofibromatosis, type I; NEUROFIBROMATOSIS, TYPE I, SOMATIC. Identifiers: Orphanet 636, MedGen C0027831, MONDO:0018975, OMIM 162200. Disease mechanism: loss of function.

Submissions (5):

GeneDx
Classification: Uncertain significance. Last evaluated: 2024-09-16. Review status: criteria provided, single submitter. Criteria: GeneDx Variant Classification Process June 2021. Collection method: clinical testing. Allele origin: germline. Affected: yes.
Comment: Not observed at significant frequency in large population cohorts (gnomAD); In silico analysis indicates that this missense variant does not alter protein structure/function; Has not been previously published as pathogenic or benign to our knowledge; This variant is associated with the following publications: (PMID: 25486365, 2121369, 22807134)

Labcorp Genetics (formerly Invitae), Labcorp
Classification: Uncertain significance for Neurofibromatosis, type 1. Last evaluated: 2024-09-12. Review status: criteria provided, single submitter. Criteria: Invitae Variant Classification Sherloc (09022015). Collection method: clinical testing. Allele origin: germline.
Comment: This sequence change replaces asparagine, which is neutral and polar, with aspartic acid, which is acidic and polar, at codon 1154 of the NF1 protein (p.Asn1154Asp). This variant is not present in population databases (gnomAD no frequency). This missense change has been observed in individual(s) with clinical features of NF1-related conditions (PMID: 21520333). ClinVar contains an entry for this variant (Variation ID: 845339). Invitae Evidence Modeling of protein sequence and biophysical properties (such as structural, functional, and spatial information, amino acid conservation, physicochemical variation, residue mobility, and thermodynamic stability) has been performed for this missense variant. However, the output from this modeling did not meet the statistical confidence thresholds required to predict the impact of this variant on NF1 protein function. In summary, the available evidence is currently insufficient to determine the role of this variant in disease. Therefore, it has been classified as a Variant of Uncertain Significance.

Regional Center For Medical Genetics Timis, Louis Turcanu Emergency Hospital for Children Timisoara
Classification: Likely pathogenic for Neurofibromatosis, type 1. Last evaluated: 2024-08-21. Review status: criteria provided, single submitter. Criteria: ACMG Guidelines, 2015. Collection method: research. Allele origin: de novo. Affected: yes.
Comment: This missense variant is not reported in healthy population databases (gnomAD v4.1.0 exomes and genomes). This variant is located in a genomic region known for a moderate intolerance to missense variation. The same original amino acid residue is reportedly affected by other pathogenic/likely pathogenic missense variants in literature (e.g. p.Asn1154Ile). ClinVar database reports this variant as uncertain (Variation ID: 845339). Therefore, the variant was classified as likely pathogenic, according to ACMG and ClinGen recommendations. Criteria for classification: PM1_Supporting, PM2_Supporting, PM5, PM6.

Genome-Nilou Lab
Classification: Uncertain significance for Neurofibromatosis, type 1. Last evaluated: 2022-03-15. Review status: criteria provided, single submitter. Criteria: ACMG Guidelines, 2015. Collection method: clinical testing. Allele origin: germline. Affected: no.

Genome Diagnostics Laboratory, The Hospital for Sick Children
Classification: Uncertain significance for Neurofibromatosis, type 1. Last evaluated: 2020-10-26. Review status: criteria provided, single submitter. Criteria: ACMG Guidelines, 2015. Collection method: clinical testing. Allele origin: germline. Affected: yes.

Literature cited by the submitters: PubMed 21520333 (cited by Labcorp Genetics (formerly Invitae), Labcorp).

NM_001042492.3(NF1):c.3460A>G (p.Asn1154Asp)

Gene: NF1 (neurofibromin 1; plus strand). Cytogenetic location: 17q11.2.
Variant type: single nucleotide variant.
Coding change: c.3460A>G on transcript NM_001042492.3 (MANE Select); coding-DNA position 3460, A replaced by G.
Protein change: p.Asn1154Asp; replaces asparagine 1154 with aspartic acid.
Molecular consequence: missense variant.
Genome position (GRCh38, 1-based): chr17:31,232,845, A>G. VCF-style: chr17-31232845-A-G. GRCh37 (hg19) VCF-style: chr17-29559863-A-G.
Other names: c.3460A>G, p.Asn1154Asp (NM_000267.4); short protein forms N1154D.
Identifiers: ClinVar variation 845339 (VCV000845339.13), dbSNP rs2067137878, ClinGen allele CA398989360.